The following is an entry in ClinVar:

ClinVar aggregate classification (germline): Uncertain significance (1 of 4 stars; one submission).

Allele frequency attached by ClinVar (database versions not stated): TOPMed below 0.00001; gnomAD 0.00001.
gnomAD v4.1: 3 of 1,610,698 alleles (0.00019%); highest among the groups gnomAD compares: Non-Finnish European, 0.00017%; no homozygotes.

Submission:

GeneDx
Classification: Uncertain significance. Last evaluated: 2019-11-26. Review status: criteria provided, single submitter. Criteria: GeneDx Variant Classification Process June 2021. Collection method: clinical testing. Allele origin: germline. Affected: yes.
Comment: Not observed at a significant frequency in large population cohorts (Lek et al., 2016); In silico analysis, which includes protein predictors and evolutionary conservation, supports that this variant does not alter protein structure/function; Has not been previously published as pathogenic or benign to our knowledge

NM_001127671.2(LIFR):c.1517C>T (p.Thr506Ile)

Gene: LIFR (LIF receptor subunit alpha; minus strand). Cytogenetic location: 5p13.1.
Variant type: single nucleotide variant.
Coding change: c.1517C>T on transcript NM_001127671.2 (MANE Select); coding-DNA position 1517, C replaced by T.
Protein change: p.Thr506Ile; replaces threonine 506 with isoleucine.
Molecular consequence: missense variant.
Genome position (GRCh38, 1-based): chr5:38,502,720, G>A on the plus strand (C>T on the coding strand, the complement: LIFR is on the minus strand). VCF-style: chr5-38502720-G-A. GRCh37 (hg19) VCF-style: chr5-38502822-G-A.
Other names: c.1517C>T, p.Thr506Ile (NM_001364297.2, NM_001364298.2, NM_002310.6); short protein forms T506I.
Identifiers: ClinVar variation 1315993 (VCV001315993.2), dbSNP rs1264340150, ClinGen allele CA359542273.